The following is an entry in ClinVar:

ClinVar aggregate classification (germline): Conflicting classifications of pathogenicity. Review status: criteria provided, conflicting classifications (1 of 4 stars). 3 submissions from 3 submitters: Likely pathogenic (1); Uncertain significance (2). Last evaluated 2025-03-01.

Conditions:
Autosomal recessive limb-girdle muscular dystrophy type 2C (LGMDR5). Also called: MUSCULAR DYSTROPHY, DUCHENNE-LIKE; MUSCULAR DYSTROPHY, LIMB-GIRDLE, AUTOSOMAL RECESSIVE 5. Identifiers: Orphanet 353, MedGen C0410173, MONDO:0009677, OMIM 253700. Disease mechanism: Affects gamma-sarcoglycan and also disrupts the integrity of the entire sarcoglycan complex..

Allele frequency attached by ClinVar (database versions not stated): gnomAD exomes below 0.00001.
gnomAD v4.1: 7 of 1,609,946 alleles (0.00043%); highest among the groups gnomAD compares: Non-Finnish European, 0.00051%; no homozygotes.

Submissions (3):

CeGaT Center for Human Genetics Tuebingen
Classification: Likely pathogenic. Last evaluated: 2025-03-01. Review status: criteria provided, single submitter. Criteria: CeGaT Center For Human Genetics Tuebingen Variant Classification Criteria Version 2. Collection method: clinical testing. Allele origin: germline. Affected: yes. Observed: 1 variant allele.
Comment: SGCG: PM3:Strong, PM2

Revvity Omics, Revvity
Classification: Uncertain significance for Autosomal recessive limb-girdle muscular dystrophy type 2C. Last evaluated: 2024-06-18. Review status: criteria provided, single submitter. Criteria: ACMG Guidelines, 2015. Collection method: clinical testing. Allele origin: germline.

Women's Health and Genetics/Laboratory Corporation of America, LabCorp
Classification: Uncertain significance. Last evaluated: 2023-03-01. Review status: criteria provided, single submitter. Criteria: LabCorp Variant Classification Summary - May 2015. Collection method: clinical testing. Allele origin: germline.
Comment: Variant summary: SGCG c.269T>C (p.Leu90Ser) results in a non-conservative amino acid change in the encoded protein sequence. Three of four in-silico tools predict a damaging effect of the variant on protein function. The variant allele was found at a frequency of 4e-06 in 251408 control chromosomes. The available data on variant occurrences in the general population are insufficient to allow any conclusion about variant significance. c.269T>C has been reported in the literature as a compound heterozygous genotype in an individual affected with Limb-Girdle Muscular Dystrophy, Autosomal Recessive (Bonnemann_2002). These data do not allow any conclusion about variant significance. To our knowledge, no experimental evidence demonstrating an impact on protein function has been reported. No clinical diagnostic laboratories have submitted clinical-significance assessments for this variant to ClinVar after 2014. Based on the evidence outlined above, the variant was classified as uncertain significance.

Literature cited by the submitters: PubMed 11801399 (cited by Women's Health and Genetics/Laboratory Corporation of America, LabCorp).

NM_000231.3(SGCG):c.269T>C (p.Leu90Ser)

Gene: SGCG (sarcoglycan gamma; plus strand). Cytogenetic location: 13q12.12.
Variant type: single nucleotide variant.
Coding change: c.269T>C on transcript NM_000231.3 (MANE Select); coding-DNA position 269, T replaced by C.
Protein change: p.Leu90Ser; replaces leucine 90 with serine.
Molecular consequence: missense variant.
Genome position (GRCh38, 1-based): chr13:23,234,684, T>C. VCF-style: chr13-23234684-T-C. GRCh37 (hg19) VCF-style: chr13-23808823-T-C.
Other names: c.323T>C, p.Leu108Ser (NM_001378244.1); c.269T>C, p.Leu90Ser (NM_001378245.1, NM_001378246.1); short protein forms L108S, L90S.
Identifiers: ClinVar variation 2501056 (VCV002501056.9), dbSNP rs1254791358, ClinGen allele CA387506650.
Genomic context (GRCh38, chr13:23,234,684, plus strand): 5'-ACTTGTGTGTAACAAAAGATGGACTGCGCTTGGAAGGGGAATCAGAATTTTTATTCCCAT[T>C]GTATGCCAAAGAAATACACTCCAGAGTGGTAAGAAAATGTTAAGACAAATAATTTGTGCT-3'
Protein context (NP_000222.2, residues 80-100): LEGESEFLFP[Leu90Ser]YAKEIHSRVD